The following is an entry in ClinVar:

ClinVar aggregate classification (germline): Uncertain significance (1 of 4 stars; one submission).

Conditions:
Hereditary sensory and autonomic neuropathy type 6. Also called: HSAN VI; Neuropathy, hereditary sensory and autonomic, type VI. Identifiers: Orphanet 314381, MedGen C3539003, MONDO:0013839, OMIM 614653.
Epidermolysis bullosa simplex 3, localized or generalized intermediate, with BP230 deficiency (EBS3). Also called: Epidermolysis bullosa simplex due to BP230 deficiency; Epidermolysis bullosa simplex, autosomal recessive 2. Identifiers: Orphanet 412181, MedGen C3809470, MONDO:0014180, OMIM 615425.

Allele frequency attached by ClinVar (database versions not stated): gnomAD exomes below 0.00001 and 0.00001; ExAC 0.00001; TOPMed 0.00002.
gnomAD v4.1: 3 of 1,613,900 alleles (0.00019%); highest among the groups gnomAD compares: Admixed American, 0.0017%; no homozygotes.

Submission:

Labcorp Genetics (formerly Invitae), Labcorp
Classification: Uncertain significance for Epidermolysis bullosa simplex 3, localized or generalized intermediate, with BP230 deficiency; Hereditary sensory and autonomic neuropathy type 6. Last evaluated: 2022-03-19. Review status: criteria provided, single submitter. Criteria: Invitae Variant Classification Sherloc (09022015). Collection method: clinical testing. Allele origin: germline.
Comment: The DST gene has multiple clinically relevant transcripts. This variant occurs in alternate transcript NM_015548.4, and corresponds to NM_001723.5:c.*130151C>A in the primary transcript. This sequence change replaces aspartic acid, which is acidic and polar, with glutamic acid, which is acidic and polar, at codon 4428 of the DST protein (p.Asp4428Glu). This variant is present in population databases (rs762788206, gnomAD 0.003%). This variant has not been reported in the literature in individuals affected with DST-related conditions. Experimental studies and prediction algorithms are not available or were not evaluated, and the functional significance of this variant is currently unknown. In summary, the available evidence is currently insufficient to determine the role of this variant in disease. Therefore, it has been classified as a Variant of Uncertain Significance.

NM_001374736.1(DST):c.21153C>A (p.Asp7051Glu)

Gene: DST (dystonin; minus strand). Cytogenetic location: 6p12.1.
Variant type: single nucleotide variant.
Coding change: c.21153C>A on transcript NM_001374736.1 (MANE Select); coding-DNA position 21153, C replaced by A.
Protein change: p.Asp7051Glu; replaces aspartic acid 7051 with glutamic acid.
Molecular consequence: missense variant.
Genome position (GRCh38, 1-based): chr6:56,485,366, G>T on the plus strand (C>A on the coding strand, the complement: DST is on the minus strand). VCF-style: chr6-56485366-G-T. GRCh37 (hg19) VCF-style: chr6-56350164-G-T.
Other names: c.14796C>A, p.Asp4932Glu (NM_001144769.5); c.14382C>A, p.Asp4794Glu (NM_001144770.2); c.21153C>A, p.Asp7051Glu (NM_001374722.1); c.20193C>A, p.Asp6731Glu (NM_001374729.1); c.13935C>A, p.Asp4645Glu (NM_001374730.1); c.21180C>A, p.Asp7060Glu (NM_001374734.1); c.14262C>A, p.Asp4754Glu (NM_001386100.1, NM_183380.4); c.13284C>A, p.Asp4428Glu (NM_015548.5); short protein forms D4428E, D4645E, D4754E, D4794E, D4932E, D6731E, D7051E, D7060E.
Identifiers: ClinVar variation 1058966 (VCV001058966.6), dbSNP rs762788206, ClinGen allele CA3866580.